The following is an entry in ClinVar:

NM_001854.4(COL11A1):c.3724C>A (p.Pro1242Thr)

Gene: COL11A1 (collagen type XI alpha 1 chain; minus strand). Cytogenetic location: 1p21.1.
Variant type: single nucleotide variant.
Coding change: c.3724C>A on transcript NM_001854.4 (MANE Select); coding-DNA position 3724, C replaced by A.
Protein change: p.Pro1242Thr; replaces proline 1242 with threonine.
Molecular consequence: missense variant. On other transcripts: non-coding transcript variant (1).
Genome position (GRCh38, 1-based): chr1:102,920,349, G>T on the plus strand (C>A on the coding strand, the complement: COL11A1 is on the minus strand). VCF-style: chr1-102920349-G-T. GRCh37 (hg19) VCF-style: chr1-103385905-G-T.
Other names: c.3607C>A, p.Pro1203Thr (NM_001190709.2); c.3760C>A, p.Pro1254Thr (NM_080629.3); c.3376C>A, p.Pro1126Thr (NM_080630.4); short protein forms P1126T, P1203T, P1242T, P1254T.
Identifiers: ClinVar variation 4686821 (VCV004686821.1).

ClinVar aggregate classification (germline): Uncertain significance (1 of 4 stars; one submission).

Submission:

GeneDx
Classification: Uncertain significance. Last evaluated: 2025-07-21. Review status: criteria provided, single submitter. Criteria: GeneDx Variant Classification Process June 2021. Collection method: clinical testing. Allele origin: germline. Affected: yes.
Comment: Not observed at significant frequency in large population cohorts (gnomAD); In silico analysis supports that this missense variant has a deleterious effect on protein structure/function; Has not been previously published as pathogenic or benign to our knowledge